The following is an entry in ClinVar:

ClinVar aggregate classification (germline): Likely benign. Review status: reviewed by expert panel (3 of 4 stars). 3 submissions from 3 submitters: Likely benign (1). 2 of the submissions do not count toward it. Last evaluated 2024-01-10.

Conditions:
Immunodeficiency 104. Also called: IMMUNODEFICIENCY 104, SEVERE COMBINED; SCID, AUTOSOMAL RECESSIVE, T CELL-NEGATIVE, B CELL-POSITIVE, NK CELL-POSITIVE; Severe Combined Immune Deficiency, Autosomal Recessive, TCell -Negative, B Cell-Positive, NK Cell-Positive, IL7R-Related; Severe combined immunodeficiency, autosomal recessive, T cell-negative, B cell-positive, NK cell-positive. Identifiers: MedGen C5676890, MONDO:0012163, OMIM 608971.

Allele frequency attached by ClinVar (database versions not stated): gnomAD 0.00012 and 0.00016; TOPMed 0.00021; ExAC 0.00037; gnomAD exomes 0.00041; 1000 Genomes Project 30x 0.00047; 1000 Genomes Project 0.00060.
gnomAD v4.1: 181 of 1,613,182 alleles (0.011%); highest among the groups gnomAD compares: East Asian, 0.32%; 2 homozygotes.

Submissions (3):

ClinGen Severe Combined Immunodeficiency Variant Curation Expert Panel, ClinGen
Classification: Likely benign for Immunodeficiency 104. Last evaluated: 2024-01-10. Review status: reviewed by expert panel. Criteria: ClinGen SCID ACMG Specifications IL7R V1.0.0. Collection method: curation. Allele origin: germline. Inheritance: Autosomal recessive inheritance.
Comment: NM_002185.5(IL7R):c.314G>A is a missense variant predicted to cause substitution of Serine by Asparagine at amino acid 105 (p.Ser105Asn). The filtering allele frequency (the lower threshold of the 95% CI of 143/44848) of the c.314G>A variant in IL7R is 0.003189 for East Asian chromosomes by gnomAD v4, which is higher than the ClinGen SCID VCEP threshold (>0.00126) for BS1, and therefore meets this criterion (BS1). (PP4_met) (PMID: 30290665). Another missense variant c.315C>A, (p.Ser105Arg) in the same codon has been reported (classified as VUS by SCID VCEP) (PM5 not met)(PMID: 35482138). To our knowledge, this variant has not been reported in the literature in individuals affected with IL7R-related conditions or in functional studies. In summary, this variant meets the criteria to be classified as Likely Benign variant for autosomal recessive severe combined immunodeficiency due to IL7R deficiency based on the ACMG/AMP criteria applied, as specified by the ClinGen SCID VCEP: BS1_met,PP4_met (VCEP specifications version 1).

Labcorp Genetics (formerly Invitae), Labcorp
Classification: Likely benign for Immunodeficiency 104. Last evaluated: 2026-01-20. Review status: criteria provided, single submitter. Criteria: Invitae Variant Classification Sherloc (09022015). Collection method: clinical testing. Allele origin: germline. Not counted in ClinVar's aggregate classification.

Revvity Omics, Revvity
Classification: Uncertain significance for Immunodeficiency 104. Last evaluated: 2019-08-02. Review status: criteria provided, single submitter. Criteria: ACMG Guidelines, 2015. Collection method: clinical testing. Allele origin: germline. Not counted in ClinVar's aggregate classification.

NM_002185.5(IL7R):c.314G>A (p.Ser105Asn)

Gene: IL7R (interleukin 7 receptor; plus strand). Cytogenetic location: 5p13.2.
Variant type: single nucleotide variant.
Coding change: c.314G>A on transcript NM_002185.5 (MANE Select); coding-DNA position 314, G replaced by A.
Protein change: p.Ser105Asn; replaces serine 105 with asparagine.
Molecular consequence: missense variant. On other transcripts: non-coding transcript variant (1).
Genome position (GRCh38, 1-based): chr5:35,867,398, G>A. VCF-style: chr5-35867398-G-A. GRCh37 (hg19) VCF-style: chr5-35867500-G-A.
Other names: NM_002185.5(IL7R):c.314G>A; p.Ser105Asn; short protein forms S105N.
Identifiers: ClinVar variation 705625 (VCV000705625.13), dbSNP rs150051812, ClinGen allele CA3231911.